The following is an entry in ClinVar:

NM_001854.4(COL11A1):c.652-8_652-6del

Gene: COL11A1 (collagen type XI alpha 1 chain; minus strand). Cytogenetic location: 1p21.1.
Variant type: Deletion.
Coding change: c.652-8_652-6del on transcript NM_001854.4 (MANE Select); 8 bases into the intron before coding-DNA position 652 through 6 bases into the intron before coding-DNA position 652, 3 bases deleted (TTT; older notation c.652-8_652-6delTTT).
Molecular consequence: intron variant.
Genome position (GRCh38, 1-based): chr1:103,031,250-103,031,252, AAA deleted on the plus strand (TTT on the coding strand, the reverse complement: COL11A1 is on the minus strand); deleting any 3 consecutive bases within chr1:103,031,250-103,031,262 gives the same sequence; the c. name uses the placement nearest the transcript's 3' end. VCF-style (leftmost placement, unchanged base first): chr1-103031249-GAAA-G. GRCh37 (hg19) VCF-style: chr1-103496805-GAAA-G.
Other names: NC_000001.10:g.103496816_103496818del; c.652-18_652-16del (NM_001854.4); c.652-8_652-6del (NM_001190709.2, NM_080629.3, NM_080630.4).
Identifiers: ClinVar variation 3032439 (VCV003032439.3), dbSNP rs36076089, ClinGen allele CA884740761.
Genomic context (GRCh38, chr1:103,031,249, plus strand): 5'-CAGTAGTCATATGCTGCCTTGGGATCACCTGTGATCAAAAACTGCTGAATGTCCCCCTGG[GAAA>G]AAAAAAAAAACAAAAACAAACAGACACAGATTCAGTTAGCATATTAAAGTACACATATAC-3'

ClinVar aggregate classification (germline): Likely benign (0 of 4 stars; one submission).

Conditions:
COL11A1-related disorder. Also called: COL11A1-related disorders; COL11A1-related condition.

Submissions (2):

PreventionGenetics, part of Exact Sciences
Classification: Likely benign for COL11A1-related condition. Last evaluated: 2024-01-20. Review status: no assertion criteria provided. Collection method: clinical testing. Allele origin: germline.
Comment: This variant is classified as likely benign based on ACMG/AMP sequence variant interpretation guidelines (Richards et al. 2015 PMID: 25741868, with internal and published modifications).

Dr. Peter K. Rogan Lab, Western University
No classification provided (evidence only). Condition: Gastric cancer. Review status: no classification provided. Collection method: in vitro. Allele origin: not applicable. Functional consequence: retained intron. Not counted in ClinVar's aggregate classification.